The following is an entry in ClinVar:

ClinVar aggregate classification (germline): Likely pathogenic. Review status: criteria provided, multiple submitters, no conflicts (2 of 4 stars). 4 submissions from 4 submitters: Likely pathogenic (4). Last evaluated 2025-03-31.

Conditions:
Citrullinemia type II. Also called: Citrullinemia Type II (CTLN2). Identifiers: Orphanet 247585, MedGen C1863844, MONDO:0016603.
Citrullinemia, type II, adult-onset (CDAA). Also called: CITRIN DEFICIENCY, ADOLESCENT OR ADULT ONSET. Identifiers: Orphanet 247585, MedGen CN295299, MONDO:0011326, OMIM 603471.
Citrullinemia. Identifiers: Orphanet 187, MedGen C0175683, MONDO:0015991.
Citrin deficiency. Identifiers: Orphanet 247582, MedGen C1997910, MONDO:0016602.

Submissions (4):

Natera, Inc.
Classification: Likely pathogenic for Citrullinemia. Last evaluated: 2025-03-31. Review status: criteria provided, single submitter. Criteria: Natera Variant Classification Schema (03/2026). Collection method: clinical testing. Allele origin: germline.
Comment: The c.1637C>T variant in SLC25A13 is a missense variant predicted to cause substitution of threonine to methionine at amino acid 546. This variant is rare in the general population with a frequency below the threshold expected for the associated phenotype(s). This variant has been observed in one or more individuals affected with the associated recessive disease, as either homozygous or compound heterozygous with a second variant (PMID: 18392553). Functional studies show that this variant may disrupt protein function (PMID: 23053473). Computational prediction algorithms indicate this variant is likely to affect gene or protein function. Given the available evidence, this variant is classified as Likely Pathogenic.

Labcorp Genetics (formerly Invitae), Labcorp
Classification: Likely pathogenic for Citrin deficiency. Last evaluated: 2024-02-24. Review status: criteria provided, single submitter. Criteria: Invitae Variant Classification Sherloc (09022015). Collection method: clinical testing. Allele origin: germline.
Comment: This sequence change replaces threonine, which is neutral and polar, with methionine, which is neutral and non-polar, at codon 546 of the SLC25A13 protein (p.Thr546Met). This variant is present in population databases (rs548769905, gnomAD 0.003%). This missense change has been observed in individual(s) with citrin deficiency (PMID: 14680984, 18392553). In at least one individual the data is consistent with being in trans (on the opposite chromosome) from a pathogenic variant. ClinVar contains an entry for this variant (Variation ID: 934709). Advanced modeling of protein sequence and biophysical properties (such as structural, functional, and spatial information, amino acid conservation, physicochemical variation, residue mobility, and thermodynamic stability) performed at Invitae indicates that this missense variant is expected to disrupt SLC25A13 protein function with a positive predictive value of 80%. Experimental studies have shown that this missense change affects SLC25A13 function (PMID: 23053473). In summary, the currently available evidence indicates that the variant is pathogenic, but additional data are needed to prove that conclusively. Therefore, this variant has been classified as Likely Pathogenic.

Baylor Genetics
Classification: Likely pathogenic for Citrullinemia, type II, adult-onset. Last evaluated: 2024-02-22. Review status: criteria provided, single submitter. Criteria: ACMG Guidelines, 2015. Collection method: clinical testing. Allele origin: unknown.

Women's Health and Genetics/Laboratory Corporation of America, LabCorp
Classification: Likely pathogenic for Citrullinemia type II. Last evaluated: 2023-02-17. Review status: criteria provided, single submitter. Criteria: LabCorp Variant Classification Summary - May 2015. Collection method: clinical testing. Allele origin: germline.
Comment: Variant summary: SLC25A13 c.1637C>T (p.Thr546Met) results in a non-conservative amino acid change in the encoded protein sequence. Five of five in-silico tools predict a damaging effect of the variant on protein function. The variant allele was found at a frequency of 4e-06 in 251380 control chromosomes. c.1637C>T has been reported in the literature in individuals affected with Citrullinemia Type II or related disorders. These data indicate that the variant may be associated with disease. At least one publication reports experimental evidence evaluating an impact on protein function. The most pronounced variant effect results in about 25% of normal activity. Two clinical diagnostic laboratories have submitted clinical-significance assessments for this variant to ClinVar after 2014 without evidence for independent evaluation. Both laboratories classified the variant as likely pathogenic. Based on the evidence outlined above, the variant was classified as likely pathogenic.

Literature cited by the submitters: PubMed 18392553 (cited by 3 submitters); PubMed 23053473 (cited by 3 submitters); PubMed 14680984 (cited by Labcorp Genetics (formerly Invitae), Labcorp and Women's Health and Genetics/Laboratory Corporation of America, LabCorp); PubMed 19036621 (cited by Women's Health and Genetics/Laboratory Corporation of America, LabCorp).

NM_014251.3(SLC25A13):c.1637C>T (p.Thr546Met)

Gene: SLC25A13 (solute carrier family 25 member 13; minus strand). Cytogenetic location: 7q21.3.
Variant type: single nucleotide variant.
Coding change: c.1637C>T on transcript NM_014251.3 (MANE Select); coding-DNA position 1637, C replaced by T.
Protein change: p.Thr546Met; replaces threonine 546 with methionine.
Molecular consequence: missense variant. On other transcripts: non-coding transcript variant (1).
Genome position (GRCh38, 1-based): chr7:96,121,952, G>A on the plus strand (C>T on the coding strand, the complement: SLC25A13 is on the minus strand). VCF-style: chr7-96121952-G-A. GRCh37 (hg19) VCF-style: chr7-95751264-G-A.
Other names: c.1640C>T, p.Thr547Met (NM_001160210.2); short protein forms T546M, T547M.
Identifiers: ClinVar variation 934709 (VCV000934709.15), dbSNP rs548769905, ClinGen allele CA4352837.